The following is an entry in ClinVar:

ClinVar aggregate classification (germline): Benign/Likely benign. Review status: criteria provided, multiple submitters, no conflicts (2 of 4 stars). 3 submissions from 3 submitters: Benign (2); Likely benign (1). Last evaluated 2026-01-12.

Submissions (3):

Labcorp Genetics (formerly Invitae), Labcorp
Classification: Benign. Last evaluated: 2026-01-12. Review status: criteria provided, single submitter. Criteria: Invitae Variant Classification Sherloc (09022015). Collection method: clinical testing. Allele origin: germline.

CeGaT Center for Human Genetics Tuebingen
Classification: Likely benign. Last evaluated: 2023-01-01. Review status: criteria provided, single submitter. Criteria: CeGaT Center For Human Genetics Tuebingen Variant Classification Criteria Version 2. Collection method: clinical testing. Allele origin: germline. Affected: yes. Observed: 1 variant allele.
Comment: COX4I2: BP4, BS2

GeneDx
Classification: Benign. Last evaluated: 2016-04-12. Review status: criteria provided, single submitter. Criteria: GeneDx Variant Classification Process June 2021. Collection method: clinical testing. Allele origin: germline. Affected: yes.

NM_032609.3(COX4I2):c.83-8_83-7del

Gene: COX4I2 (cytochrome c oxidase subunit 4I2; plus strand). Cytogenetic location: 20q11.21.
Variant type: Microsatellite.
Coding change: c.83-8_83-7del on transcript NM_032609.3 (MANE Select); 8 bases into the intron before coding-DNA position 83 through 7 bases into the intron before coding-DNA position 83, 2 bases deleted (GT; older notation c.83-8_83-7delGT).
Molecular consequence: intron variant.
Genome position (GRCh38, 1-based): chr20:31,639,925-31,639,926, GT deleted; deleting any 2 consecutive bases within chr20:31,639,922-31,639,926 gives the same sequence; the c. name uses the placement nearest the transcript's 3' end. VCF-style (leftmost placement, unchanged base first): chr20-31639921-TTG-T. GRCh37 (hg19) VCF-style: chr20-30227724-TTG-T.
Identifiers: ClinVar variation 338032 (VCV000338032.41), dbSNP rs528430338, ClinGen allele CA9801864.